The following is an entry in ClinVar:

ClinVar aggregate classification (germline): Uncertain significance. Review status: criteria provided, multiple submitters, no conflicts (2 of 4 stars). 2 submissions from 2 submitters: Uncertain significance (2). Last evaluated 2025-06-15.

Conditions:
Cardiovascular phenotype. Identifiers: MedGen CN230736.
Long QT syndrome (LQTS). Identifiers: MedGen C0023976, MeSH D008133, MONDO:0002442. Disease mechanism: loss of function. Inheritance: Various modes of inheritance.

gnomAD v4.1: 2 of 1,614,246 alleles (0.00012%); highest among the groups gnomAD compares: Non-Finnish European, 0.00017%; no homozygotes.

Submissions (2):

Labcorp Genetics (formerly Invitae), Labcorp
Classification: Uncertain significance for Long QT syndrome. Last evaluated: 2025-06-15. Review status: criteria provided, single submitter. Criteria: Invitae Variant Classification Sherloc (09022015). Collection method: clinical testing. Allele origin: germline.
Comment: This sequence change replaces glutamine, which is neutral and polar, with arginine, which is basic and polar, at codon 3395 of the AKAP9 protein (p.Gln3395Arg). This variant is not present in population databases (gnomAD no frequency). This variant has not been reported in the literature in individuals affected with AKAP9-related conditions. ClinVar contains an entry for this variant (Variation ID: 3850059). An algorithm developed to predict the effect of missense changes on protein structure and function (PolyPhen-2) suggests that this variant is likely to be disruptive. In summary, the available evidence is currently insufficient to determine the role of this variant in disease. Therefore, it has been classified as a Variant of Uncertain Significance.

Ambry Genetics
Classification: Uncertain significance for Cardiovascular phenotype. Last evaluated: 2025-01-07. Review status: criteria provided, single submitter. Criteria: Ambry Variant Classification Scheme 2023. Collection method: clinical testing. Allele origin: germline.

NM_005751.5(AKAP9):c.10184A>G (p.Gln3395Arg)

Gene: AKAP9 (A-kinase anchoring protein 9; plus strand). Cytogenetic location: 7q21.2.
Variant type: single nucleotide variant.
Coding change: c.10184A>G on transcript NM_005751.5 (MANE Select); coding-DNA position 10184, A replaced by G.
Protein change: p.Gln3395Arg; replaces glutamine 3395 with arginine.
Molecular consequence: missense variant.
Genome position (GRCh38, 1-based): chr7:92,097,143, A>G. VCF-style: chr7-92097143-A-G. GRCh37 (hg19) VCF-style: chr7-91726457-A-G.
Other names: c.4829A>G, p.Gln1610Arg (NM_001379277.1); c.10160A>G, p.Gln3387Arg (NM_147185.3); short protein forms Q3387R, Q3395R, Q1610R.
Identifiers: ClinVar variation 3850059 (VCV003850059.2).